The following is an entry in ClinVar:

ClinVar aggregate classification (germline): Pathogenic (1 of 4 stars; one submission).

Submission:

Quest Diagnostics Nichols Institute San Juan Capistrano
Classification: Pathogenic. Last evaluated: 2022-09-07. Review status: criteria provided, single submitter. Criteria: ACMG/ClinGen CNV Guidelines, 2019. Collection method: clinical testing. Allele origin: unknown.
Comment: The copy number loss of 15q21.1q21.3 involves numerous protein-coding genes. Heterozygous inversions of 15q21.2 that involve CYP19A1 are associated with autosomal dominant aromatase excess syndrome (OMIM 139300). In addition, heterozygous loss-of-function variants of AP4E1 are associated with autosomal dominant familial persistent stuttering-1 (OMIM 184450). Copy number losses of 15q21.2 have been reported in several individuals with neurodevelopmental disorders (Costain 2019, Fukami 2013). There are no similar copy number losses of this region in the general populations of the Database of Genomic Variants. Thus, based on current medical literature and gene content, this copy number variant (CNV) is classified as pathogenic. References: Costain et al., J Neurodev Disord. 2019 Feb 7;11(1):3. PMID: 30732576 Fukami et al., J Clin Endocrinol Metab. 2013 Dec;98(12):E2013-21. PMID: 24064691 Kushima et al., Mol Psychiatry. 2017 Mar;22(3):430-440. PMID: 27240532 Kushima et al., Cell Rep. 2018 Sep 11;24(11):2838-2856. PMID: 30208311 Lionel et al., Hum Mol Genet. 2014 May 15;23(10):2752-68. PMID: 24381304 Vrijenhoek et al., Am J Hum Genet. 2008 Oct;83(4):504-10. PMID: 18940311 Vulto-van Silfhout et al., Hum Mutat. 2013 Dec;34(12):1679-87. PMID: 24038936

GRCh37/hg19 15q21.1-21.3(chr15:49390592-56800964)x1

Genes: AP4E1 (adaptor related protein complex 4 subunit epsilon 1; plus strand), ARPP19 (cAMP regulated phosphoprotein 19; minus strand), ATOSA (atos homolog A; minus strand), ATP8B4 (ATPase phospholipid transporting 8B4 (putative); minus strand), BCL2L10 (BCL2 like 10; minus strand) and 40 more. Cytogenetic location: 15q21.1-21.3.
Variant type: copy number loss.
Change: copy number 1 (one copy instead of two) of chr15:49,390,592-56,800,964 (7.41 Mb, GRCh37 coordinates, 1-based), cytogenetic band 15q21.1-21.3.
Identifiers: ClinVar variation 2685513 (VCV002685513.1).